The following is an entry in ClinVar:

NM_001903.5(CTNNA1):c.446A>T (p.Lys149Ile)

Gene: CTNNA1 (catenin alpha 1; plus strand). Cytogenetic location: 5q31.2.
Variant type: single nucleotide variant.
Coding change: c.446A>T on transcript NM_001903.5 (MANE Select); coding-DNA position 446, A replaced by T.
Protein change: p.Lys149Ile; replaces lysine 149 with isoleucine.
Molecular consequence: missense variant.
Genome position (GRCh38, 1-based): chr5:138,810,182, A>T. VCF-style: chr5-138810182-A-T. GRCh37 (hg19) VCF-style: chr5-138145871-A-T.
Other names: c.446A>T, p.Lys149Ile (NM_001290307.3, NM_001323982.2, NM_001323983.1 and 3 more transcripts); c.137A>T, p.Lys46Ile (NM_001290309.3); c.77A>T, p.Lys26Ile (NM_001290310.3); short protein forms K149I, K46I, K26I.
Identifiers: ClinVar variation 4007981 (VCV004007981.1).

ClinVar aggregate classification (germline): Uncertain significance (1 of 4 stars; one submission).

Conditions:
Hereditary cancer-predisposing syndrome. Also called: Tumor predisposition; Hereditary neoplastic syndrome; Neoplastic Syndromes, Hereditary; Hereditary Cancer Syndrome. Identifiers: Orphanet 140162, MedGen C0027672, MeSH D009386, MONDO:0015356.

Submission:

Ambry Genetics
Classification: Uncertain significance for Hereditary cancer-predisposing syndrome. Last evaluated: 2025-04-18. Review status: criteria provided, single submitter. Criteria: Ambry Variant Classification Scheme 2023. Collection method: clinical testing. Allele origin: germline.
Comment: The p.K149I variant (also known as c.446A>T), located in coding exon 3 of the CTNNA1 gene, results from an A to T substitution at nucleotide position 446. The lysine at codon 149 is replaced by isoleucine, an amino acid with dissimilar properties. This amino acid position is conserved. In addition, this alteration is predicted to be tolerated by in silico analysis. Based on the available evidence, the clinical significance of this variant remains unclear.